The following is an entry in ClinVar:

ClinVar aggregate classification (germline): Uncertain significance. Review status: criteria provided, multiple submitters, no conflicts (2 of 4 stars). 2 submissions from 2 submitters: Uncertain significance (2). Last evaluated 2024-06-26.

Conditions:
Emery-Dreifuss muscular dystrophy (EDMD). Also called: Scapuloperoneal syndrome, X-linked (formerly); Humeroperoneal neuromuscular disease, (formerly). Identifiers: Orphanet 261, MedGen C0410189, MONDO:0016830.

Allele frequency attached by ClinVar (database versions not stated): gnomAD 0.00002; gnomAD exomes 0.00002 and 0.00004; TOPMed 0.00003; ExAC 0.00007.
gnomAD v4.1: 25 of 1,613,888 alleles (0.0015%); highest among the groups gnomAD compares: East Asian, 0.053%; no homozygotes.

Submissions (2):

Labcorp Genetics (formerly Invitae), Labcorp
Classification: Uncertain significance for Emery-Dreifuss muscular dystrophy. Last evaluated: 2024-06-26. Review status: criteria provided, single submitter. Criteria: Invitae Variant Classification Sherloc (09022015). Collection method: clinical testing. Allele origin: germline.
Comment: This sequence change replaces threonine, which is neutral and polar, with isoleucine, which is neutral and non-polar, at codon 666 of the SUN2 protein (p.Thr666Ile). This variant is present in population databases (rs755259603, gnomAD 0.05%). This variant has not been reported in the literature in individuals affected with SUN2-related conditions. ClinVar contains an entry for this variant (Variation ID: 650009). An algorithm developed to predict the effect of missense changes on protein structure and function (PolyPhen-2) suggests that this variant is likely to be tolerated. In summary, the available evidence is currently insufficient to determine the role of this variant in disease. Therefore, it has been classified as a Variant of Uncertain Significance.

Ambry Genetics
Classification: Uncertain significance. Last evaluated: 2024-01-19. Review status: criteria provided, single submitter. Criteria: Ambry Variant Classification Scheme 2023. Collection method: clinical testing. Allele origin: germline.

NM_015374.3(SUN2):c.1997C>T (p.Thr666Ile)

Genes: GTPBP1 (GTP binding protein 1; plus strand), SUN2 (Sad1 and UNC84 domain containing 2; minus strand). Cytogenetic location: 22q13.1.
Variant type: single nucleotide variant.
Coding change: c.1997C>T on transcript NM_015374.3 (MANE Select); coding-DNA position 1997, C replaced by T.
Protein change: p.Thr666Ile; replaces threonine 666 with isoleucine.
Molecular consequence: missense variant.
Genome position (GRCh38, 1-based): chr22:38,738,216, G>A on the plus strand (C>T on the coding strand, the complement: SUN2 is on the minus strand). VCF-style: chr22-38738216-G-A. GRCh37 (hg19) VCF-style: chr22-39134221-G-A.
Other names: c.2060C>T, p.Thr687Ile (NM_001199579.2); c.1997C>T, p.Thr666Ile (NM_001199580.2); short protein forms T666I, T687I.
Identifiers: ClinVar variation 650009 (VCV000650009.7), dbSNP rs755259603, ClinGen allele CA10235366.
Genomic context (GRCh38, chr22:38,738,216, plus strand): 5'-ACAGCAGCATCCCGTACCTGAAAGTGAAACGTCTGAATAGGCTCGCCGTCCTGATCGTAA[G>A]TGAACTTGCCAAGGAGTGTCCCCTCCTGCTGCAGGTCTTCGTCAAACCCCTGCAAAGAGA-3'
Protein context (NP_056189.1, residues 656-676): QQEGTLLGKF[Thr666Ile]YDQDGEPIQT